The following is an entry in ClinVar:

NM_001352514.2(HLCS):c.1856C>G (p.Ala619Gly)

Gene: HLCS (holocarboxylase synthetase; minus strand). Cytogenetic location: 21q22.13.
Variant type: single nucleotide variant.
Coding change: c.1856C>G on transcript NM_001352514.2 (MANE Select); coding-DNA position 1856, C replaced by G.
Protein change: p.Ala619Gly; replaces alanine 619 with glycine.
Molecular consequence: missense variant. On other transcripts: non-coding transcript variant (2).
Genome position (GRCh38, 1-based): chr21:36,896,896, G>C on the plus strand (C>G on the coding strand, the complement: HLCS is on the minus strand). VCF-style: chr21-36896896-G-C. GRCh37 (hg19) VCF-style: chr21-38269196-G-C.
Other names: c.1415C>G, p.Ala472Gly (NM_000411.8, NM_001242784.3, NM_001242785.2 and 4 more transcripts); short protein forms A472G, A619G.
Identifiers: ClinVar variation 1050466 (VCV001050466.4), dbSNP rs767190021, ClinGen allele CA10020457.

ClinVar aggregate classification (germline): Uncertain significance. Review status: criteria provided, multiple submitters, no conflicts (2 of 4 stars). 3 submissions from 3 submitters: Uncertain significance (2). 1 of the submissions does not count toward it. Last evaluated 2022-10-13.

Conditions:
Holocarboxylase synthetase deficiency. Also called: MULTIPLE CARBOXYLASE DEFICIENCY, EARLY ONSET. Identifiers: Orphanet 79242, MedGen C0268581, MONDO:0009666, OMIM 253270.

gnomAD v4.1: 12 of 1,613,992 alleles (0.00074%); highest among the groups gnomAD compares: Admixed American, 0.0017%; no homozygotes.

Submissions (3):

Labcorp Genetics (formerly Invitae), Labcorp
Classification: Uncertain significance for Holocarboxylase synthetase deficiency. Last evaluated: 2022-10-13. Review status: criteria provided, single submitter. Criteria: Invitae Variant Classification Sherloc (09022015). Collection method: clinical testing. Allele origin: germline.
Comment: This sequence change replaces alanine, which is neutral and non-polar, with glycine, which is neutral and non-polar, at codon 472 of the HLCS protein (p.Ala472Gly). This variant is present in population databases (rs767190021, gnomAD 0.01%). This variant has not been reported in the literature in individuals affected with HLCS-related conditions. ClinVar contains an entry for this variant (Variation ID: 1050466). Advanced modeling of protein sequence and biophysical properties (such as structural, functional, and spatial information, amino acid conservation, physicochemical variation, residue mobility, and thermodynamic stability) performed at Invitae indicates that this missense variant is expected to disrupt HLCS protein function. In summary, the available evidence is currently insufficient to determine the role of this variant in disease. Therefore, it has been classified as a Variant of Uncertain Significance.

Fulgent Genetics
Classification: Uncertain significance for Holocarboxylase synthetase deficiency. Last evaluated: 2022-03-15. Review status: criteria provided, single submitter. Criteria: ACMG Guidelines, 2015. Collection method: clinical testing. Allele origin: unknown.

Department of Pathology and Laboratory Medicine, Sinai Health System
Classification: Uncertain significance. Review status: no assertion criteria provided. Collection method: clinical testing. Allele origin: unknown. Affected: yes. Study: The Canadian Open Genetics Repository (COGR). Not counted in ClinVar's aggregate classification.
Comment: The HLCS p.Ala619Gly variant was not identified in the literature nor was it identified in ClinVar. The variant was identified in dbSNP (ID: rs767190021) and in control databases in 5 of 251440 chromosomes at a frequency of 0.00001989 (Genome Aggregation Database March 6, 2019, v2.1.1). The variant was observed in the following populations: Other in 1 of 6138 chromosomes (freq: 0.000163), Ashkenazi Jewish in 1 of 10080 chromosomes (freq: 0.000099), Latino in 1 of 34590 chromosomes (freq: 0.000029) and European (non-Finnish) in 2 of 113724 chromosomes (freq: 0.000018), but was not observed in the African, East Asian, European (Finnish), or South Asian populations. The p.Ala619 residue is conserved in mammals but not in more distantly related organisms however computational analyses (PolyPhen-2, SIFT, AlignGVGD, BLOSUM, MutationTaster) do not suggest a high likelihood of impact to the protein; this information is not predictive enough to rule out pathogenicity. The variant occurs outside of the splicing consensus sequence and in silico or computational prediction software programs (SpliceSiteFinder, MaxEntScan, NNSPLICE, GeneSplicer) do not predict a difference in splicing. In summary, based on the above information the clinical significance of this variant cannot be determined with certainty at this time. This variant is classified as a variant of uncertain significance.